The following is an entry in ClinVar:

NM_000282.4(PCCA):c.1846-2A>G

Gene: PCCA (propionyl-CoA carboxylase subunit alpha; plus strand). Cytogenetic location: 13q32.3.
Variant type: single nucleotide variant.
Coding change: c.1846-2A>G on transcript NM_000282.4 (MANE Select); the canonical splice acceptor site of the intron before coding-DNA position 1846, A replaced by G.
Molecular consequence: splice acceptor variant. On other transcripts: intron variant (2).
Genome position (GRCh38, 1-based): chr13:100,449,250, A>G. VCF-style: chr13-100449250-A-G. GRCh37 (hg19) VCF-style: chr13-101101504-A-G.
Other names: c.1846-2A>G (NM_001178004.2, NM_001352609.2); c.1845+23519A>G (NM_001352605.2); c.1702-2A>G (NM_001352606.2); c.901-2A>G (NM_001352610.2); c.900+23519A>G (NM_001352611.2); c.757-2A>G (NM_001352612.2); c.1768-2A>G (NM_001127692.3, NM_001352607.2); c.1624-2A>G (NM_001352608.2).
Identifiers: ClinVar variation 4059245 (VCV004059245.2).

ClinVar aggregate classification (germline): Likely pathogenic (1 of 4 stars; one submission).

Conditions:
Propionic acidemia (PROP). Also called: GLYCINEMIA, KETOTIC; HYPERGLYCINEMIA WITH KETOACIDOSIS AND LEUKOPENIA; KETOTIC HYPERGLYCINEMIA. Identifiers: Orphanet 35, MedGen C0268579, MONDO:0011628, OMIM 606054, HP:0003571.

Submission:

Natera, Inc.
Classification: Likely pathogenic for Propionic acidemia. Last evaluated: 2025-04-25. Review status: criteria provided, single submitter. Criteria: Natera Variant Classification Schema (03/2026). Collection method: clinical testing. Allele origin: germline.
Comment: The c.1846-2A>G variant in PCCA is a canonical splice acceptor site variant predicted to affect pre-mRNA splicing, which may result in an abnormal transcript and altered protein product. This variant is expected to result in nonsense mediated decay, truncation, or a dysfunctional protein product. This variant is rare in the general population with a frequency below the threshold expected for the associated phenotype(s). Given the available evidence, this variant is classified as Likely Pathogenic.